The following is an entry in ClinVar:

NC_000004.12:g.(?_186149141)_(186709827_?)del

Genes: MTNR1A (melatonin receptor 1A; minus strand), CYP4V2 (cytochrome P450 family 4 subfamily V member 2; plus strand), F11 (coagulation factor XI; plus strand), FAM149A (family with sequence similarity 149 member A; plus strand), FAT1 (FAT atypical cadherin 1; minus strand) and 1 more. Cytogenetic location: 4q35.1-35.2.
Variant type: Deletion.
Identifiers: ClinVar variation 831567 (VCV000831567.1).

ClinVar aggregate classification (germline): Pathogenic (1 of 4 stars; one submission).

Submission:

Labcorp Genetics (formerly Invitae), Labcorp
Classification: Pathogenic. Last evaluated: 2019-09-23. Review status: criteria provided, single submitter. Criteria: Invitae Variant Classification Sherloc (09022015). Collection method: clinical testing. Allele origin: germline.
Comment: A gross deletion of the genomic region encompassing the full coding sequence of the CYP4V2 gene has been identified. The boundaries of this event are unknown as the deletion extends beyond the assayed region for this gene and therefore may encompass additional genes. Isolated whole-gene deletions of CYP4V2 have not been reported in the literature. However, larger copy number events that include this gene have been reported (PMID: 25629076). Loss-of-function variants in CYP4V2 are known to be pathogenic (PMID: 15042513, 25118264). For these reasons, this variant has been classified as Pathogenic.

Literature cited by the submitters: PubMed 25629076.